The following is an entry in ClinVar:

NM_000051.4(ATM):c.1030A>G (p.Asn344Asp)

Gene: ATM (ATM serine/threonine kinase; plus strand). Cytogenetic location: 11q22.3.
Variant type: single nucleotide variant.
Coding change: c.1030A>G on transcript NM_000051.4 (MANE Select); coding-DNA position 1030, A replaced by G.
Protein change: p.Asn344Asp; replaces asparagine 344 with aspartic acid.
Molecular consequence: missense variant.
Genome position (GRCh38, 1-based): chr11:108,247,092, A>G. VCF-style: chr11-108247092-A-G. GRCh37 (hg19) VCF-style: chr11-108117819-A-G.
Other names: c.1030A>G, p.Asn344Asp (NM_001351834.2); short protein forms N344D.
Identifiers: ClinVar variation 2865531 (VCV002865531.3), dbSNP rs587782526, ClinGen allele CA382531646.

ClinVar aggregate classification (germline): Uncertain significance (1 of 4 stars; one submission).

Conditions:
Ataxia-telangiectasia syndrome (AT). Also called: AT, COMPLEMENTATION GROUP C; Ataxia telangiectasia (A-T); ATAXIA-TELANGIECTASIA, COMPLEMENTATION GROUP A; ATAXIA-TELANGIECTASIA, FRESNO VARIANT; Ataxia-telangiectasia, complementation group D; Ataxia-telangiectasia, complementation group E. Identifiers: Orphanet 100, MedGen C0004135, MONDO:0008840, OMIM 208900.

Submission:

Labcorp Genetics (formerly Invitae), Labcorp
Classification: Uncertain significance for Ataxia-telangiectasia syndrome. Last evaluated: 2024-06-10. Review status: criteria provided, single submitter. Criteria: Invitae Variant Classification Sherloc (09022015). Collection method: clinical testing. Allele origin: germline.
Comment: This sequence change replaces asparagine, which is neutral and polar, with aspartic acid, which is acidic and polar, at codon 344 of the ATM protein (p.Asn344Asp). This variant is not present in population databases (gnomAD no frequency). This variant has not been reported in the literature in individuals affected with ATM-related conditions. An algorithm developed to predict the effect of missense changes on protein structure and function (PolyPhen-2) suggests that this variant is likely to be tolerated. In summary, the available evidence is currently insufficient to determine the role of this variant in disease. Therefore, it has been classified as a Variant of Uncertain Significance.